The following is an entry in ClinVar:

ClinVar aggregate classification (germline): Uncertain significance. Review status: criteria provided, multiple submitters, no conflicts (2 of 4 stars). 2 submissions from 2 submitters: Uncertain significance (2). Last evaluated 2025-09-29.

Conditions:
Ciliary dyskinesia, primary, 37 (CILD37). Also called: CILIARY DYSKINESIA, PRIMARY, 37, WITH OR WITHOUT SITUS INVERSUS. Identifiers: MedGen C4539798, MONDO:0033204, OMIM 617577.
Spermatogenic failure 18. Identifiers: MedGen C4539783, MONDO:0054615, OMIM 617576.

gnomAD v4.1: 63 of 1,613,374 alleles (0.0039%); highest among the groups gnomAD compares: East Asian, 0.013%; no homozygotes.

Submissions (2):

Labcorp Genetics (formerly Invitae), Labcorp
Classification: Uncertain significance for Ciliary dyskinesia, primary, 37; Spermatogenic failure 18. Last evaluated: 2025-09-29. Review status: criteria provided, single submitter. Criteria: Invitae Variant Classification Sherloc (09022015). Collection method: clinical testing. Allele origin: germline.
Comment: This sequence change replaces glycine, which is neutral and non-polar, with arginine, which is basic and polar, at codon 2819 of the DNAH1 protein (p.Gly2819Arg). This variant is present in population databases (rs372068387, gnomAD 0.05%). This missense change has been observed in individual(s) with male infertility (PMID: 36017582). ClinVar contains an entry for this variant (Variation ID: 3779258). Invitae Evidence Modeling of protein sequence and biophysical properties (such as structural, functional, and spatial information, amino acid conservation, physicochemical variation, residue mobility, and thermodynamic stability) indicates that this missense variant is not expected to disrupt DNAH1 protein function with a negative predictive value of 80%. Algorithms developed to predict the effect of sequence changes on RNA splicing suggest that this variant may create or strengthen a splice site. In summary, the available evidence is currently insufficient to determine the role of this variant in disease. Therefore, it has been classified as a Variant of Uncertain Significance.

Department of Pathology and Laboratory Medicine, Sinai Health System
Classification: Uncertain significance for ciliary dyskinesia, primary, 37. Last evaluated: 2022-02-24. Review status: criteria provided, single submitter. Criteria: ACMG Guidelines, 2015. Collection method: research. Allele origin: germline.

Literature cited by the submitters: PubMed 36017582 (cited by Labcorp Genetics (formerly Invitae), Labcorp).

NM_015512.5(DNAH1):c.8455G>A (p.Gly2819Arg)

Gene: DNAH1 (dynein axonemal heavy chain 1; plus strand). Cytogenetic location: 3p21.1.
Variant type: single nucleotide variant.
Coding change: c.8455G>A on transcript NM_015512.5 (MANE Select); coding-DNA position 8455, G replaced by A.
Protein change: p.Gly2819Arg; replaces glycine 2819 with arginine.
Molecular consequence: missense variant.
Genome position (GRCh38, 1-based): chr3:52,384,918, G>A. VCF-style: chr3-52384918-G-A. GRCh37 (hg19) VCF-style: chr3-52418934-G-A.
Other names: short protein forms G2819R.
Identifiers: ClinVar variation 3779258 (VCV003779258.2).